The following is an entry in ClinVar:

ClinVar aggregate classification (germline): Uncertain significance. Review status: criteria provided, multiple submitters, no conflicts (2 of 4 stars). 2 submissions from 2 submitters: Uncertain significance (2). Last evaluated 2024-10-28.

Submissions (2):

Blueprint Genetics
Classification: Uncertain significance. Last evaluated: 2024-10-28. Review status: criteria provided, single submitter. Criteria: ACMG Guidelines, 2015. Collection method: clinical testing. Allele origin: germline.

Quest Diagnostics Nichols Institute San Juan Capistrano
Classification: Uncertain significance. Last evaluated: 2023-12-05. Review status: criteria provided, single submitter. Criteria: Quest Diagnostics criteria. Collection method: clinical testing. Allele origin: unknown.
Comment: The BRCA2 c.9970_9972delinsGAGGAGAATT (p.Pro3324Glufs*5) variant alters the translational reading frame of the BRCA2 mRNA and is predicted to cause the premature termination of BRCA2 protein synthesis. However, this variant is located in the terminal exon of BRCA2 and effect of the protein truncation on BRCA2 protein function is unknown. This variant has not been reported in individuals with BRCA2-related conditions in the published literature. This variant has not been reported in large, multi-ethnic general populations (Genome Aggregation Database). Based on the available information, we are unable to determine the clinical significance of this variant.

NM_000059.4(BRCA2):c.9970_9972delinsGAGGAGAATT (p.Pro3324fs)

Gene: BRCA2 (BRCA2 DNA repair associated; plus strand). Cytogenetic location: 13q13.1.
Variant type: Indel.
Coding change: c.9970_9972delinsGAGGAGAATT on transcript NM_000059.4 (MANE Select); coding-DNA positions 9970 to 9972, CCA replaced by GAGGAGAATT.
Protein change: p.Pro3324fs; shifts the reading frame from proline 3324.
Molecular consequence: frameshift variant. On other transcripts: non-coding transcript variant (1).
Genome position (GRCh38, 1-based): chr13:32,398,483-32,398,485, CCA replaced by GAGGAGAATT. VCF-style: chr13-32398483-CCA-GAGGAGAATT. GRCh37 (hg19) VCF-style: chr13-32972620-CCA-GAGGAGAATT.
Other names: c.9970_9972delCCAinsGAGGAGAATT, p.Pro3324Glufs (NM_000059.3); c.9874_9876delinsGAGGAGAATT, p.Pro3292fs (NM_001406719.1); c.9919_9921delinsGAGGAGAATT, p.Pro3307fs (NM_001406720.1); c.5038_5040delinsGAGGAGAATT, p.Pro1680fs (NM_001406721.1); c.3553_3555delinsGAGGAGAATT, p.Pro1185fs (NM_001406722.1); c.9970_9972delinsGAGGAGAATT, p.Pro3324fs (NM_001432077.1); short protein forms P1680fs, P1185fs, P3307fs, P3324fs, P3292fs.
Identifiers: ClinVar variation 3572378 (VCV003572378.2).